The following is an entry in ClinVar:

ClinVar aggregate classification (germline): Likely benign (1 of 4 stars; one submission).

Submission:

CeGaT Center for Human Genetics Tuebingen
Classification: Likely benign. Last evaluated: 2026-05-01. Review status: criteria provided, single submitter. Criteria: CeGaT Center For Human Genetics Tuebingen Variant Classification Criteria Version 2. Collection method: clinical testing. Allele origin: germline. Affected: yes. Observed: 2 variant alleles.
Comment: TAS2R4: BP4, BS1

NM_016944.2(TAS2R4):c.186T>A (p.Phe62Leu)

Gene: TAS2R4 (taste 2 receptor member 4; plus strand). Cytogenetic location: 7q34.
Variant type: single nucleotide variant.
Coding change: c.186T>A on transcript NM_016944.2 (MANE Select); coding-DNA position 186, T replaced by A.
Protein change: p.Phe62Leu; replaces phenylalanine 62 with leucine.
Molecular consequence: missense variant.
Genome position (GRCh38, 1-based): chr7:141,778,674, T>A. VCF-style: chr7-141778674-T-A. GRCh37 (hg19) VCF-style: chr7-141478474-T-A.
Other names: short protein forms F62L.
Identifiers: ClinVar variation 4821554 (VCV004821554.4).